The following is an entry in ClinVar:

NM_004385.5(VCAN):c.2902G>T (p.Asp968Tyr)

Gene: VCAN (versican; plus strand). Cytogenetic location: 5q14.3.
Variant type: single nucleotide variant.
Coding change: c.2902G>T on transcript NM_004385.5 (MANE Select); coding-DNA position 2902, G replaced by T.
Protein change: p.Asp968Tyr; replaces aspartic acid 968 with tyrosine.
Molecular consequence: missense variant. On other transcripts: intron variant (2).
Genome position (GRCh38, 1-based): chr5:83,521,208, G>T. VCF-style: chr5-83521208-G-T. GRCh37 (hg19) VCF-style: chr5-82817027-G-T.
Other names: c.2902G>T, p.Asp968Tyr (NM_001164098.2); c.1042+8812G>T (NM_001164097.2, NM_001126336.3); short protein forms D968Y.
Identifiers: ClinVar variation 1462504 (VCV001462504.8), dbSNP rs922539566, ClinGen allele CA121793023.

ClinVar aggregate classification (germline): Uncertain significance (1 of 4 stars; one submission).

Allele frequency attached by ClinVar (database versions not stated): gnomAD exomes below 0.00001; TOPMed below 0.00001.
gnomAD v4.1: 1 of 1,613,686 alleles (0.000062%); highest among the groups gnomAD compares: Non-Finnish European, 0.000085%; no homozygotes.

Submission:

Labcorp Genetics (formerly Invitae), Labcorp
Classification: Uncertain significance. Last evaluated: 2022-10-04. Review status: criteria provided, single submitter. Criteria: Invitae Variant Classification Sherloc (09022015). Collection method: clinical testing. Allele origin: germline.
Comment: This sequence change replaces aspartic acid, which is acidic and polar, with tyrosine, which is neutral and polar, at codon 968 of the VCAN protein (p.Asp968Tyr). This variant is present in population databases (no rsID available, gnomAD 0.0009%). This variant has not been reported in the literature in individuals affected with VCAN-related conditions. ClinVar contains an entry for this variant (Variation ID: 1462504). Algorithms developed to predict the effect of missense changes on protein structure and function are either unavailable or do not agree on the potential impact of this missense change (SIFT: "Deleterious"; PolyPhen-2: "Probably Damaging"; Align-GVGD: "Class C15"). In summary, the available evidence is currently insufficient to determine the role of this variant in disease. Therefore, it has been classified as a Variant of Uncertain Significance.